The following is an entry in ClinVar:

ClinVar aggregate classification (germline): Uncertain significance. Review status: criteria provided, multiple submitters, no conflicts (2 of 4 stars). 2 submissions from 2 submitters: Uncertain significance (2). Last evaluated 2022-09-13.

Conditions:
Inborn genetic diseases. Identifiers: MedGen C0950123, MeSH D030342.
Glycine encephalopathy. Also called: Nonketotic hyperglycinemia; Non-ketotic hyperglycinemia. Identifiers: Orphanet 407, MedGen C0751748, MONDO:0011612, HP:0008288.

Allele frequency attached by ClinVar (database versions not stated): gnomAD exomes below 0.00001 and 0.00001; ExAC 0.00001; gnomAD 0.00003 and 0.00004; TOPMed 0.00003.
gnomAD v4.1: 6 of 1,613,602 alleles (0.00037%); highest among the groups gnomAD compares: African/African-American, 0.008%; no homozygotes.

Submissions (2):

Labcorp Genetics (formerly Invitae), Labcorp
Classification: Uncertain significance for Glycine encephalopathy. Last evaluated: 2022-09-13. Review status: criteria provided, single submitter. Criteria: Invitae Variant Classification Sherloc (09022015). Collection method: clinical testing. Allele origin: germline.
Comment: This sequence change replaces proline, which is neutral and non-polar, with serine, which is neutral and polar, at codon 249 of the GLDC protein (p.Pro249Ser). This variant is present in population databases (rs778202301, gnomAD 0.008%). This variant has not been reported in the literature in individuals affected with GLDC-related conditions. ClinVar contains an entry for this variant (Variation ID: 1418694). Advanced modeling of protein sequence and biophysical properties (such as structural, functional, and spatial information, amino acid conservation, physicochemical variation, residue mobility, and thermodynamic stability) performed at Invitae indicates that this missense variant is not expected to disrupt GLDC protein function. In summary, the available evidence is currently insufficient to determine the role of this variant in disease. Therefore, it has been classified as a Variant of Uncertain Significance.

Ambry Genetics
Classification: Uncertain significance for Inborn genetic diseases. Last evaluated: 2021-12-23. Review status: criteria provided, single submitter. Criteria: Ambry Variant Classification Scheme 2023. Collection method: clinical testing. Allele origin: germline.

NM_000170.3(GLDC):c.745C>T (p.Pro249Ser)

Gene: GLDC (glycine decarboxylase; minus strand). Cytogenetic location: 9p24.1.
Variant type: single nucleotide variant.
Coding change: c.745C>T on transcript NM_000170.3 (MANE Select); coding-DNA position 745, C replaced by T.
Protein change: p.Pro249Ser; replaces proline 249 with serine.
Molecular consequence: missense variant.
Genome position (GRCh38, 1-based): chr9:6,605,247, G>A on the plus strand (C>T on the coding strand, the complement: GLDC is on the minus strand). VCF-style: chr9-6605247-G-A. GRCh37 (hg19) VCF-style: chr9-6605247-G-A.
Other names: c.745C>T (NM_000170.2); short protein forms P249S.
Identifiers: ClinVar variation 1418694 (VCV001418694.6), dbSNP rs778202301, ClinGen allele CA4980994.